The following is an entry in ClinVar:

NM_001943.5(DSG2):c.523+1_523+2del

Gene: DSG2 (desmoglein 2; plus strand). Cytogenetic location: 18q12.1.
Variant type: Deletion.
Coding change: c.523+1_523+2del on transcript NM_001943.5 (MANE Select); the canonical splice donor site of the intron after coding-DNA position 523, 2 bases deleted (GT; older notation c.523+1_523+2delGT).
Molecular consequence: splice donor variant.
Genome position (GRCh38, 1-based): chr18:31,521,244-31,521,245, GT deleted. VCF-style (leftmost placement, unchanged base first): chr18-31521243-CGT-C. GRCh37 (hg19) VCF-style: chr18-29101206-CGT-C.
Other names: c.523+1_523+2del (LRG_397t1, NM_001943.3).
Identifiers: ClinVar variation 653370 (VCV000653370.11), dbSNP rs1598810829, ClinGen allele CA915952484.
Genomic context (GRCh38, chr18:31,521,243, plus strand): 5'-AACGAACCAGTGTTCACACAGGATGTCTTTGTTGGGTCTGTTGAAGAGTTGAGTGCAGCA[CGT>C]AAGAGTCTTTTTTTTTTTTTTTAATAAATAAATACCTAAGATTACTTTATCCCCACTGTA-3'

ClinVar aggregate classification (germline): Likely pathogenic. Review status: criteria provided, multiple submitters, no conflicts (2 of 4 stars). 3 submissions from 3 submitters: Likely pathogenic (3). Last evaluated 2024-04-25.

Conditions:
Arrhythmogenic right ventricular dysplasia 10. Also called: ARRHYTHMOGENIC RIGHT VENTRICULAR DYSPLASIA, FAMILIAL, 10; Arrhythmogenic Right Ventricular Dysplasia/Cardiomyopathy10; Arrhythmogenic right ventricular dysplasia/cardiomyopathy, type 10. Identifiers: MedGen C1857777, MONDO:0012434, OMIM 610193.
Dilated cardiomyopathy 1BB (CMD1BB). Also called: CARDIOMYOPATHY, DILATED, 1BB, SUSCEPTIBILITY TO. Identifiers: Orphanet 154, MedGen C2752072, MONDO:0013030, OMIM 612877.

Submissions (3):

Labcorp Genetics (formerly Invitae), Labcorp
Classification: Likely pathogenic for Arrhythmogenic right ventricular dysplasia 10. Last evaluated: 2024-04-25. Review status: criteria provided, single submitter. Criteria: Invitae Variant Classification Sherloc (09022015). Collection method: clinical testing. Allele origin: germline.
Comment: This sequence change affects a splice site in intron 5 of the DSG2 gene. It is expected to disrupt RNA splicing. Variants that disrupt the donor or acceptor splice site typically lead to a loss of protein function (PMID: 16199547), and loss-of-function variants in DSG2 are known to be pathogenic (PMID: 17105751, 31386562). This variant is not present in population databases (gnomAD no frequency). This variant has not been reported in the literature in individuals affected with DSG2-related conditions. ClinVar contains an entry for this variant (Variation ID: 653370). Algorithms developed to predict the effect of sequence changes on RNA splicing suggest that this variant may disrupt the consensus splice site. In summary, the currently available evidence indicates that the variant is pathogenic, but additional data are needed to prove that conclusively. Therefore, this variant has been classified as Likely Pathogenic.

GeneDx
Classification: Likely pathogenic. Last evaluated: 2022-02-09. Review status: criteria provided, single submitter. Criteria: GeneDx Variant Classification Process June 2021. Collection method: clinical testing. Allele origin: germline. Affected: yes.
Comment: Canonical splice site variant predicted to result in a null allele in a gene for which loss-of-function is a known mechanism of disease; Has not been previously published as pathogenic in association with DSG2-related disease or benign to our knowledge; Not observed at significant frequency in large population cohorts (gnomAD); Reported in ClinVar as a likely pathogenic variant (ClinVar Variant ID# 653370; ClinVar); This variant is associated with the following publications: (PMID: 33684294, 31638835, 27535533, 26582918)

Fulgent Genetics
Classification: Likely pathogenic for Arrhythmogenic right ventricular dysplasia 10; Dilated cardiomyopathy 1BB. Last evaluated: 2021-08-13. Review status: criteria provided, single submitter. Criteria: ACMG Guidelines, 2015. Collection method: clinical testing. Allele origin: unknown.

Literature cited by the submitters: PubMed 16199547 (cited by Labcorp Genetics (formerly Invitae), Labcorp); PubMed 17105751 (cited by Labcorp Genetics (formerly Invitae), Labcorp); PubMed 31386562 (cited by Labcorp Genetics (formerly Invitae), Labcorp).